The following is an entry in ClinVar:

NM_000518.5(HBB):c.*110_*114del

Genes: HBB (hemoglobin subunit beta; minus strand), LOC107133510 (origin of replication at HBB; plus strand), LOC110006319 (beta-globin gene 3' regulatory region; plus strand). Cytogenetic location: 11p15.4.
Variant type: Deletion.
Coding change: c.*110_*114del on transcript NM_000518.5 (MANE Select); 110 bases downstream of the stop codon through 114 bases downstream of the stop codon, 5 bases deleted (TAAAA; older notation c.*110_*114delTAAAA).
Molecular consequence: 3 prime UTR variant.
Genome position (GRCh38, 1-based): chr11:5,225,484-5,225,488, TTTTA deleted on the plus strand (TAAAA on the coding strand, the reverse complement: HBB is on the minus strand); deleting any 5 consecutive bases within chr11:5,225,484-5,225,490 gives the same sequence; the c. name uses the placement nearest the transcript's 3' end. VCF-style (leftmost placement, unchanged base first): chr11-5225483-TTTTTA-T. GRCh37 (hg19) VCF-style: chr11-5246713-TTTTTA-T.
Other names: polyA (-AATAA); c.*110_*114delTAAAA (NM_000518.5).
Identifiers: ClinVar variation 15506 (VCV000015506.6), dbSNP rs35949130, ClinGen allele CA125370.

ClinVar aggregate classification (germline): Pathogenic/Likely pathogenic. Review status: criteria provided, multiple submitters, no conflicts (2 of 4 stars). 5 submissions from 5 submitters: Pathogenic (1); Likely pathogenic (2). 2 of the submissions do not count toward it. Last evaluated 2025-08-13.

Conditions:
beta Thalassemia (BTHAL). Also called: Cooley's anemia; Erythroblastic anemia; Mediterranean anemia. Identifiers: Orphanet 848, MedGen C0005283, MONDO:0019402. Disease mechanism: loss of function.
BETA-PLUS-THALASSEMIA. Identifiers: MedGen C3841475.

Submissions (5):

Natera, Inc.
Classification: Likely pathogenic for Beta thalassemia. Last evaluated: 2025-08-13. Review status: criteria provided, single submitter. Criteria: Natera Variant Classification Schema (03/2026). Collection method: clinical testing. Allele origin: germline.
Comment: The c.*110_*114delTAAAA variant in HBB is a 3' untranslated region (UTR) variant located downstream of the translation stop codon. This variant is rare in the general population with a frequency below the threshold expected for the associated phenotype(s). This variant has been observed in one or more individuals affected with the associated recessive disease, as either homozygous or compound heterozygous with a second variant (PMID: 1374896, 14649318, 20472475, 24200152). Given the available evidence, this variant is classified as Likely Pathogenic.

Quest Diagnostics Nichols Institute San Juan Capistrano
Classification: Likely pathogenic. Last evaluated: 2025-03-31. Review status: criteria provided, single submitter. Criteria: Quest Diagnostics criteria. Collection method: clinical testing. Allele origin: unknown.
Comment: The HBB c.*110_*114del variant (also known as -AATAA and c.*108_*112delAATAA) is located in the polyadenylation signal of the beta globin (HBB) mRNA. This variant prevents polyadenylation of the beta globin mRNA at the normal polyadenylation site and causes the synthesis of an elongated beta globin mRNA (PMID: 1374896 (1992)). It is associated with severe beta(+)-thalassemia (HbVar). In the published literature, this variant has been reported in homozygous individuals affected with beta thalassemia major (PMID: 1705411 (1990), 1374896 (1992), 9140720 (1997), 24200152 (2014)). It has also been seen with Hb S in one individual (PMID: 14649318 (2003)). Variants in the delta globin (HBD) gene have also been reported in some individuals with this HBB variant (PMIDs: 24985928 (2014), 24200152 (2014)). Based on the available information, this variant is classified as likely pathogenic.

ARUP Laboratories, Molecular Genetics and Genomics, ARUP Laboratories
Classification: Pathogenic. Last evaluated: 2024-04-03. Review status: criteria provided, single submitter. Criteria: ARUP Molecular Germline Variant Investigation Process 2024. Collection method: clinical testing. Allele origin: germline.
Comment: The HBB: c.*110_*114del variant, (rs35949130, HbVar ID: 973, ClinVar ID: 15506) is reported homozygous in the literature in multiple individuals with transfusion dependent beta thalassemia major (Colaco 2014, Lacan 2003, Rund 1992). This variant has also reported compound heterozygous with Hb S in an individual with beta+ -thalassemia. This variant is absent from the Genome Aggregation Database (v2.1.1), indicating it is not a common polymorphism. This variant occurs in the 3' untranslated region and results in the deletion of the majority of the poly(a) signal. Functional characterization indicates the complete loss of cleavage at the canonical polyadenylation site, resulting in an elongated HBB transcript that is less efficiently processed by a downstream cryptic polyadenylation site (Rund 1992). Based on available information, this variant is considered to be pathogenic. References: Link to HbVar database: Colaco S et al. Masking of a ÃŸ-thalassemia determinant by a novel d-globin gene defect [Hb A2-Saurashtra or d100(G2)Pro?Ser; HBD: c.301C>T] in Cis. Hemoglobin. 2014;38(1):24-7. PMID: 24200152. Lacan P et al. Mild Hb S-beta(+)-thalassemia with a deletion of five nucleotides at the polyadenylation site of the beta-globin gene. Hemoglobin. 2003 Nov;27(4):257-9. PMID: 14649318. Rund D et al. Two mutations in the beta-globin polyadenylylation signal reveal extended transcripts and new RNA polyadenylylation sites. Proc Natl Acad Sci USA. 1992 May 15;89(10):4324-8. PMID: 1374896.

The ITHANET community portal, The Cyprus Institute of Neurology and Genetics
Classification: Pathogenic for beta Thalassemia. Last evaluated: 2019-11-25. Review status: no assertion criteria provided. Collection method: curation. Allele origin: germline. Not counted in ClinVar's aggregate classification.

OMIM
Classification: Pathogenic for BETA-PLUS-THALASSEMIA. Last evaluated: 1992-05-15. Review status: no assertion criteria provided. Collection method: literature only. Allele origin: germline. Not counted in ClinVar's aggregate classification.

Literature cited by the submitters: PubMed 1374896 (cited by 4 submitters); PubMed 14649318 (cited by 3 submitters); PubMed 20472475 (cited by Natera, Inc.); PubMed 24200152 (cited by Natera, Inc. and Quest Diagnostics Nichols Institute San Juan Capistrano); PubMed 24985928 (cited by Quest Diagnostics Nichols Institute San Juan Capistrano); PubMed 9140720 (cited by Quest Diagnostics Nichols Institute San Juan Capistrano and The ITHANET community portal, The Cyprus Institute of Neurology and Genetics); PubMed 1705411 (cited by Quest Diagnostics Nichols Institute San Juan Capistrano); PubMed 26418075 (cited by Quest Diagnostics Nichols Institute San Juan Capistrano); PubMed 37745687 (cited by Quest Diagnostics Nichols Institute San Juan Capistrano); PubMed 26594346 (cited by Quest Diagnostics Nichols Institute San Juan Capistrano).